The following is an entry in ClinVar:

ClinVar aggregate classification (germline): Pathogenic (1 of 4 stars; one submission).

Conditions:
Hereditary cancer-predisposing syndrome. Also called: Hereditary Cancer Syndrome; Hereditary neoplastic syndrome; Neoplastic Syndromes, Hereditary; Tumor predisposition. Identifiers: Orphanet 140162, MedGen C0027672, MeSH D009386, MONDO:0015356.

Submission:

Ambry Genetics
Classification: Pathogenic for Hereditary cancer-predisposing syndrome. Last evaluated: 2025-09-05. Review status: criteria provided, single submitter. Criteria: Ambry Variant Classification Scheme 2023. Collection method: clinical testing. Allele origin: germline.
Comment: The c.4297_4313del17 pathogenic mutation, located in coding exon 10 of the BRCA2 gene, results from a deletion of 17 nucleotides at nucleotide positions 4297 to 4313, causing a translational frameshift with a predicted alternate stop codon (p.G1433Rfs*6). This variant is considered to be rare based on population cohorts in the Genome Aggregation Database (gnomAD). This alteration is expected to result in loss of function by premature protein truncation or nonsense-mediated mRNA decay. As such, this alteration is interpreted as a disease-causing mutation.

NM_000059.4(BRCA2):c.4297_4313del (p.Gly1433fs)

Gene: BRCA2 (BRCA2 DNA repair associated; plus strand). Cytogenetic location: 13q13.1.
Variant type: Deletion.
Coding change: c.4297_4313del on transcript NM_000059.4 (MANE Select); coding-DNA positions 4297 to 4313, 17 bases deleted (GGGAAAAATATTAGTGT).
Protein change: p.Gly1433fs; shifts the reading frame from glycine 1433.
Molecular consequence: frameshift variant. On other transcripts: non-coding transcript variant (1), intron variant (2).
Genome position (GRCh38, 1-based): chr13:32,338,652-32,338,668, GGGAAAAATATTAGTGT deleted; deleting any 17 consecutive bases within chr13:32,338,650-32,338,668 gives the same sequence; the c. name uses the placement nearest the transcript's 3' end. VCF-style (leftmost placement, unchanged base first): chr13-32338649-AGTGGGAAAAATATTAGT-A. GRCh37 (hg19) VCF-style: chr13-32912786-AGTGGGAAAAATATTAGT-A.
Other names: c.4297_4313del, p.Gly1433fs (NM_001406719.1, NM_001406720.1, NM_001432077.1); c.1909+5265_1909+5281del (NM_001406721.1); c.425-5906_425-5890del (NM_001406722.1); short protein forms G1433fs.
Identifiers: ClinVar variation 4215936 (VCV004215936.1).